The following is an entry in ClinVar:

NM_000135.4(FANCA):c.306del (p.Ser103fs)

Gene: FANCA (FA complementation group A; minus strand). Cytogenetic location: 16q24.3.
Variant type: Deletion.
Coding change: c.306del on transcript NM_000135.4 (MANE Select); coding-DNA position 306, one base deleted (C; older notation c.306delC).
Protein change: p.Ser103fs; shifts the reading frame from serine 103.
Molecular consequence: frameshift variant.
Genome position (GRCh38, 1-based): chr16:89,811,049, G deleted on the plus strand (C on the coding strand, the reverse complement: FANCA is on the minus strand); the first of 2 consecutive G bases (chr16:89,811,049-89,811,050); deleting either gives the same sequence. VCF-style (leftmost placement, unchanged base first): chr16-89811048-AG-A. GRCh37 (hg19) VCF-style: chr16-89877456-AG-A.
Other names: c.306del, p.Ser103fs (NM_001018112.3, NM_001286167.3, NM_001351830.2); short protein forms S103fs.
Identifiers: ClinVar variation 2675455 (VCV002675455.4), dbSNP rs2544365253, ClinGen allele CA2560887917.
Genomic context (GRCh38, chr16:89,811,048, plus strand): 5'-GTCCCACGCTAGAGGCAACCATCCCGGCTGAGAGAATACCCACGGGAACCCCCAGCCTTG[AG>A]GCTTGATCCTGCAAAGCAGAGCCTTAAACACAAAACAAAACCATAGCTTTCTCTTAACAC-3'

ClinVar aggregate classification (germline): Pathogenic/Likely pathogenic. Review status: criteria provided, multiple submitters, no conflicts (2 of 4 stars). 2 submissions from 2 submitters: Pathogenic (1); Likely pathogenic (1). Last evaluated 2023-10-28.

Conditions:
Fanconi anemia (FA). Also called: Fanconi's anemia. Identifiers: Orphanet 84, MedGen C0015625, MeSH D005199, MONDO:0019391.
Fanconi anemia complementation group A (FANCA). Also called: FANCA-Related Fanconi Anemia; Fanconi anemia, group A. Identifiers: Orphanet 84, MedGen C3469521, MONDO:0009215, OMIM 227650.

Submissions (2):

Labcorp Genetics (formerly Invitae), Labcorp
Classification: Pathogenic for Fanconi anemia. Last evaluated: 2023-10-28. Review status: criteria provided, single submitter. Criteria: Invitae Variant Classification Sherloc (09022015). Collection method: clinical testing. Allele origin: germline.
Comment: This sequence change creates a premature translational stop signal (p.Ser103Glnfs*35) in the FANCA gene. It is expected to result in an absent or disrupted protein product. Loss-of-function variants in FANCA are known to be pathogenic (PMID: 19367192). This variant is not present in population databases (gnomAD no frequency). This variant has not been reported in the literature in individuals affected with FANCA-related conditions. For these reasons, this variant has been classified as Pathogenic.

Baylor Genetics
Classification: Likely pathogenic for Fanconi anemia complementation group A. Last evaluated: 2022-08-04. Review status: criteria provided, single submitter. Criteria: ACMG Guidelines, 2015. Collection method: clinical testing. Allele origin: unknown.

Literature cited by the submitters: PubMed 19367192 (cited by Labcorp Genetics (formerly Invitae), Labcorp).